The following is an entry in ClinVar:

ClinVar aggregate classification (germline): Likely pathogenic. Review status: criteria provided, multiple submitters, no conflicts (2 of 4 stars). 4 submissions from 4 submitters: Likely pathogenic (3). 1 of the submissions does not count toward it. Last evaluated 2025-11-27.

Conditions:
Retinitis pigmentosa (RP). Identifiers: Orphanet 791, MedGen C0035334, MeSH D012174, MONDO:0019200, OMIM 268000. Inheritance: Autosomal dominant, autosomal recessive and X linked inheritance.
NR2E3-related disorder. Also called: NR2E3-related disorders; NR2E3-related condition. Identifiers: MedGen CN239387.
Enhanced S-cone syndrome (ESCS). Identifiers: Orphanet 53540, MedGen C1849394, MONDO:0100288, MONDO:0009989.

gnomAD v4.1: 24 of 1,550,188 alleles (0.0015%); highest among the groups gnomAD compares: Non-Finnish European, 0.0019%; no homozygotes.

Submissions (4):

Labcorp Genetics (formerly Invitae), Labcorp
Classification: Likely pathogenic. Last evaluated: 2025-11-27. Review status: criteria provided, single submitter. Criteria: Invitae Variant Classification Sherloc (09022015). Collection method: clinical testing. Allele origin: germline.
Comment: This sequence change replaces valine, which is neutral and non-polar, with methionine, which is neutral and non-polar, at codon 118 of the NR2E3 protein (p.Val118Met). The frequency data for this variant in the population databases is considered unreliable, as metrics indicate poor data quality at this position in the gnomAD database. This missense change has been observed in individuals with autosomal dominant retinitis pigmentosa (PMID: 19933183, 28981474). ClinVar contains an entry for this variant (Variation ID: 812353). Experimental studies and prediction algorithms are not available or were not evaluated, and the functional significance of this variant is currently unknown. In summary, the currently available evidence indicates that the variant is pathogenic, but additional data are needed to prove that conclusively. Therefore, this variant has been classified as Likely Pathogenic.

Baylor Genetics
Classification: Likely pathogenic for ENHANCED S-CONE SYNDROME 1. Last evaluated: 2024-03-08. Review status: criteria provided, single submitter. Criteria: ACMG Guidelines, 2015. Collection method: clinical testing. Allele origin: unknown.

Blueprint Genetics
Classification: Likely pathogenic for NR2E3-related disorders. Last evaluated: 2022-06-14. Review status: criteria provided, single submitter. Criteria: ACMG Guidelines, 2015. Collection method: clinical testing. Allele origin: germline. Affected: yes. Observed: 5 variant alleles.

Sharon lab, Hadassah-Hebrew University Medical Center
Classification: Likely pathogenic for Retinitis pigmentosa. Last evaluated: 2019-06-23. Review status: no assertion criteria provided. Collection method: research. Allele origin: inherited. Affected: yes. Not counted in ClinVar's aggregate classification.

Literature cited by the submitters: PubMed 19933183 (cited by Labcorp Genetics (formerly Invitae), Labcorp); PubMed 28981474 (cited by Labcorp Genetics (formerly Invitae), Labcorp).

NM_014249.4(NR2E3):c.352G>A (p.Val118Met)

Gene: NR2E3 (nuclear receptor subfamily 2 group E member 3; plus strand). Cytogenetic location: 15q23.
Variant type: single nucleotide variant.
Coding change: c.352G>A on transcript NM_014249.4 (MANE Select); coding-DNA position 352, G replaced by A.
Protein change: p.Val118Met; replaces valine 118 with methionine.
Molecular consequence: missense variant.
Genome position (GRCh38, 1-based): chr15:71,811,957, G>A. VCF-style: chr15-71811957-G-A. GRCh37 (hg19) VCF-style: chr15-72104297-G-A.
Other names: c.352G>A, p.Val118Met (NM_016346.4); short protein forms V118M.
Identifiers: ClinVar variation 812353 (VCV000812353.12), dbSNP rs776270511, ClinGen allele CA393033791.